The following is an entry in ClinVar:

NM_001009944.3(PKD1):c.651_652del (p.Gly218fs)

Gene: PKD1 (polycystin 1, transient receptor potential channel interacting; minus strand). Cytogenetic location: 16p13.3.
Variant type: Deletion.
Coding change: c.651_652del on transcript NM_001009944.3 (MANE Select); coding-DNA positions 651 to 652, 2 bases deleted (CG; older notation c.651_652delCG).
Protein change: p.Gly218fs; shifts the reading frame from glycine 218.
Molecular consequence: frameshift variant.
Genome position (GRCh38, 1-based): chr16:2,118,340-2,118,341, CG deleted on the plus strand (CG on the coding strand, the reverse complement: PKD1 is on the minus strand). VCF-style (leftmost placement, unchanged base first): chr16-2118339-CCG-C. GRCh37 (hg19) VCF-style: chr16-2168340-CCG-C.
Other names: c.651_652delCG (NM_001009944.3); c.651_652del, p.Gly218fs (NM_000296.4); short protein forms G218fs.
Identifiers: ClinVar variation 4687285 (VCV004687285.1).

ClinVar aggregate classification (germline): Pathogenic (1 of 4 stars; one submission).

Conditions:
Polycystic kidney disease, adult type (PKD1). Also called: Polycystic Kidney, Autosomal Dominant; Polycystic Kidney Disease 1, Autosomal Dominant; Polycystic kidney disease 1; Polycystic kidney disease 1, severe; POLYCYSTIC KIDNEY DISEASE, ADULT, TYPE I; POLYCYSTIC KIDNEY DISEASE 1 WITH OR WITHOUT POLYCYSTIC LIVER DISEASE. Identifiers: MedGen C3149841, MONDO:0008263, OMIM 173900.

Submission:

Women's Health and Genetics/Laboratory Corporation of America, LabCorp
Classification: Pathogenic for Polycystic kidney disease, adult type. Last evaluated: 2025-10-15. Review status: criteria provided, single submitter. Criteria: LabCorp Variant Classification Summary - May 2015. Collection method: clinical testing. Allele origin: germline.
Comment: Variant summary: PKD1 c.651_652delCG (p.Gly218ProfsX42) results in a premature termination codon, predicted to cause a truncation of the encoded protein or absence of the protein due to nonsense mediated decay, which are commonly known mechanisms for disease. The variant was absent in 134162 control chromosomes. To our knowledge, no occurrence of c.651_652delCG in individuals affected with PKD1-related conditions and no experimental evidence demonstrating its impact on protein function have been reported. No submitters have cited clinical-significance assessments for this variant to ClinVar. Based on the evidence outlined above, the variant was classified as pathogenic.